The following is an entry in ClinVar:

NM_001083116.3(PRF1):c.1049T>C (p.Leu350Pro)

Gene: PRF1 (perforin 1; minus strand). Cytogenetic location: 10q22.1.
Variant type: single nucleotide variant.
Coding change: c.1049T>C on transcript NM_001083116.3 (MANE Select); coding-DNA position 1049, T replaced by C.
Protein change: p.Leu350Pro; replaces leucine 350 with proline.
Molecular consequence: missense variant.
Genome position (GRCh38, 1-based): chr10:70,598,672, A>G on the plus strand (T>C on the coding strand, the complement: PRF1 is on the minus strand). VCF-style: chr10-70598672-A-G. GRCh37 (hg19) VCF-style: chr10-72358428-A-G.
Other names: c.1049T>C, p.Leu350Pro (NM_005041.6); short protein forms L350P.
Identifiers: ClinVar variation 946422 (VCV000946422.9), dbSNP rs1848169210, ClinGen allele CA376957433.

ClinVar aggregate classification (germline): Uncertain significance (1 of 4 stars; one submission).

Conditions:
Familial hemophagocytic lymphohistiocytosis 2 (FHL2). Also called: PRF1-Related Familial Hemophagocytic Lymphohistiocytosis (PRF1-fHLH). Identifiers: Orphanet 540, MedGen C1863727, MONDO:0011337, OMIM 603553.

Submission:

Labcorp Genetics (formerly Invitae), Labcorp
Classification: Uncertain significance for Familial hemophagocytic lymphohistiocytosis 2. Last evaluated: 2023-12-11. Review status: criteria provided, single submitter. Criteria: Invitae Variant Classification Sherloc (09022015). Collection method: clinical testing. Allele origin: germline.
Comment: This sequence change replaces leucine, which is neutral and non-polar, with proline, which is neutral and non-polar, at codon 350 of the PRF1 protein (p.Leu350Pro). This variant is not present in population databases (gnomAD no frequency). This variant has not been reported in the literature in individuals affected with PRF1-related conditions. ClinVar contains an entry for this variant (Variation ID: 946422). Advanced modeling of protein sequence and biophysical properties (such as structural, functional, and spatial information, amino acid conservation, physicochemical variation, residue mobility, and thermodynamic stability) has been performed at Invitae for this missense variant, however the output from this modeling did not meet the statistical confidence thresholds required to predict the impact of this variant on PRF1 protein function. In summary, the available evidence is currently insufficient to determine the role of this variant in disease. Therefore, it has been classified as a Variant of Uncertain Significance.